The following is an entry in ClinVar:

NM_002392.6(MDM2):c.1002T>A (p.Asn334Lys)

Gene: MDM2 (MDM2 proto-oncogene; plus strand). Cytogenetic location: 12q15.
Variant type: single nucleotide variant.
Coding change: c.1002T>A on transcript NM_002392.6 (MANE Select); coding-DNA position 1002, T replaced by A.
Protein change: p.Asn334Lys; replaces asparagine 334 with lysine.
Molecular consequence: missense variant.
Genome position (GRCh38, 1-based): chr12:68,839,357, T>A. VCF-style: chr12-68839357-T-A. GRCh37 (hg19) VCF-style: chr12-69233137-T-A.
Other names: c.843T>A, p.Asn281Lys (NM_001145337.3); c.837T>A, p.Asn279Lys (NM_001145339.2); c.396T>A, p.Asn132Lys (NM_001145340.3); c.474T>A, p.Asn158Lys (NM_001278462.2); c.984T>A, p.Asn328Lys (NM_001367990.1); short protein forms N158K, N328K, N281K, N132K, N279K, N334K.
Identifiers: ClinVar variation 1378191 (VCV001378191.8), dbSNP rs199812774, ClinGen allele CA385704549.
Genomic context (GRCh38, chr12:68,839,357, plus strand): 5'-CAATGAAATGAATCCCCCCCTTCCATCACATTGCAACAGATGTTGGGCCCTTCGTGAGAA[T>A]TGGCTTCCTGAAGATAAAGGGAAAGATAAAGGGGAAATCTCTGAGAAAGCCAAACTGGAA-3'
Protein context (NP_002383.2, residues 324-344): HCNRCWALRE[Asn334Lys]WLPEDKGKDK

ClinVar aggregate classification (germline): Uncertain significance (1 of 4 stars; one submission).

Conditions:
Accelerated tumor formation, susceptibility to (ACTFS). Identifiers: MedGen C3280690, OMIM 614401, MONDO:0013733.

Submission:

Labcorp Genetics (formerly Invitae), Labcorp
Classification: Uncertain significance for Accelerated tumor formation, susceptibility to. Last evaluated: 2021-06-26. Review status: criteria provided, single submitter. Criteria: Invitae Variant Classification Sherloc (09022015). Collection method: clinical testing. Allele origin: germline.
Comment: In summary, the available evidence is currently insufficient to determine the role of this variant in disease. Therefore, it has been classified as a Variant of Uncertain Significance. Algorithms developed to predict the effect of missense changes on protein structure and function are either unavailable or do not agree on the potential impact of this missense change (SIFT: "Deleterious"; PolyPhen-2: "Probably Damaging"; Align-GVGD: "Class C0"). This variant has not been reported in the literature in individuals with MDM2-related conditions. This variant is not present in population databases (ExAC no frequency). This sequence change replaces asparagine with lysine at codon 334 of the MDM2 protein (p.Asn334Lys). The asparagine residue is moderately conserved and there is a moderate physicochemical difference between asparagine and lysine.